The following is an entry in ClinVar:

NM_032806.6(POMGNT2):c.1170T>G (p.Tyr390Ter)

Gene: POMGNT2 (protein O-linked mannose N-acetylglucosaminyltransferase 2 (beta 1,4-); minus strand). Cytogenetic location: 3p22.1.
Variant type: single nucleotide variant.
Coding change: c.1170T>G on transcript NM_032806.6 (MANE Select); coding-DNA position 1170, T replaced by G.
Protein change: p.Tyr390Ter; replaces tyrosine 390 with a stop codon.
Molecular consequence: nonsense.
Genome position (GRCh38, 1-based): chr3:43,080,262, A>C on the plus strand (T>G on the coding strand, the complement: POMGNT2 is on the minus strand). VCF-style: chr3-43080262-A-C. GRCh37 (hg19) VCF-style: chr3-43121754-A-C.
Other names: short protein forms Y390*.
Identifiers: ClinVar variation 3008348 (VCV003008348.3), dbSNP rs2528895339, ClinGen allele CA352301699.

ClinVar aggregate classification (germline): Likely pathogenic (1 of 4 stars; one submission).

Conditions:
Muscular dystrophy-dystroglycanopathy (congenital with brain and eye anomalies), type a, 8 (MDDGA8). Also called: WALKER-WARBURG SYNDROME OR MUSCLE-EYE-BRAIN DISEASE, GTDC2-RELATED. Identifiers: Orphanet 899, MedGen C3553813, MONDO:0013904, OMIM 614830.

Submission:

Labcorp Genetics (formerly Invitae), Labcorp
Classification: Likely pathogenic for Muscular dystrophy-dystroglycanopathy (congenital with brain and eye anomalies), type a, 8. Last evaluated: 2023-12-20. Review status: criteria provided, single submitter. Criteria: Invitae Variant Classification Sherloc (09022015). Collection method: clinical testing. Allele origin: germline.
Comment: This sequence change creates a premature translational stop signal (p.Tyr390*) in the POMGNT2 gene. While this is not anticipated to result in nonsense mediated decay, it is expected to disrupt the last 191 amino acid(s) of the POMGNT2 protein. This variant is not present in population databases (gnomAD no frequency). This variant has not been reported in the literature in individuals affected with POMGNT2-related conditions. This variant disrupts the C-terminus of the POMGNT2 protein. Other variant(s) that disrupt this region (p.Gln411Argfs*55, p.Arg445*, p.Glu519*) have been observed in individuals with POMGNT2-related conditions (PMID: 22958903; Invitae). This suggests that this may be a clinically significant region of the protein. In summary, the currently available evidence indicates that the variant is pathogenic, but additional data are needed to prove that conclusively. Therefore, this variant has been classified as Likely Pathogenic.

Literature cited by the submitters: PubMed 22958903.